The following is an entry in ClinVar:

ClinVar aggregate classification (germline): Benign. Review status: criteria provided, multiple submitters, no conflicts (2 of 4 stars). 2 submissions from 2 submitters: Benign (2). Last evaluated 2018-06-16.

Allele frequency attached by ClinVar (database versions not stated): 1000 Genomes Project 30x 0.05465; 1000 Genomes Project 0.05531; TOPMed 0.07762; gnomAD 0.09979; gnomAD exomes 0.10362.
gnomAD v4.1: 132,959 of 1,311,890 alleles (10%); highest among the groups gnomAD compares: South Asian, 11%; 7,531 homozygotes.

Submissions (2):

GeneDx
Classification: Benign. Last evaluated: 2018-06-16. Review status: criteria provided, single submitter. Criteria: GeneDx Variant Classification (06012015). Collection method: clinical testing. Allele origin: germline. Affected: yes.
Comment: This variant is considered likely benign or benign based on one or more of the following criteria: it is a conservative change, it occurs at a poorly conserved position in the protein, it is predicted to be benign by multiple in silico algorithms, and/or has population frequency not consistent with disease.

Breakthrough Genomics
Classification: Benign. Review status: criteria provided, single submitter. Criteria: ACMG Guidelines, 2015. Collection method: not provided. Allele origin: germline. Inheritance: Autosomal dominant inheritance. Affected: yes.

NM_001386795.1(DTNA):c.1254-75T>A

Gene: DTNA (dystrobrevin alpha; plus strand). Cytogenetic location: 18q12.1.
Variant type: single nucleotide variant.
Coding change: c.1254-75T>A on transcript NM_001386795.1 (MANE Select); 75 bases into the intron before coding-DNA position 1254, T replaced by A.
Molecular consequence: intron variant.
Genome position (GRCh38, 1-based): chr18:34,838,670, T>A. VCF-style: chr18-34838670-T-A. GRCh37 (hg19) VCF-style: chr18-32418634-T-A.
Other names: c.1095-9626T>A (NM_032975.4, NM_001386761.1, NM_001386762.1 and 1 more transcripts); c.1175+9181T>A (NM_001386754.1, NM_001386755.1, NM_001386760.1 and 5 more transcripts); c.1086-9626T>A (NM_001386763.1, NM_001386764.1, NM_001386768.1 and 13 more transcripts); c.604-13161T>A (NM_001198945.2); c.1254-75T>A (NM_001386788.1); c.1164-75T>A (NM_032978.7); c.1173-75T>A (NM_001390.5, NM_001391.5); c.336-9626T>A (NM_001198943.1); and 4 more.
Identifiers: ClinVar variation 674305 (VCV000674305.2), dbSNP rs1941753, ClinGen allele CA16554732.
Genomic context (GRCh38, chr18:34,838,670, plus strand): 5'-CATCACTTACTACCCTTCCTTTACCTGCTTGGTTTTCTAAATGCCTTTTCTACCAAAAAC[T>A]CACTCCTACCTCCTCTACTTATTTCTGTCCACCTCTCTTAACAACACGCTTTCTTTCCCC-3'